The following is an entry in ClinVar:

NM_005045.4(RELN):c.7935T>G (p.His2645Gln)

Gene: RELN (reelin; minus strand). Cytogenetic location: 7q22.1.
Variant type: single nucleotide variant.
Coding change: c.7935T>G on transcript NM_005045.4 (MANE Select); coding-DNA position 7935, T replaced by G.
Protein change: p.His2645Gln; replaces histidine 2645 with glutamine.
Molecular consequence: missense variant.
Genome position (GRCh38, 1-based): chr7:103,515,369, A>C on the plus strand (T>G on the coding strand, the complement: RELN is on the minus strand). VCF-style: chr7-103515369-A-C. GRCh37 (hg19) VCF-style: chr7-103155816-A-C.
Other names: c.7935T>G, p.His2645Gln (NM_173054.3); short protein forms H2645Q.
Identifiers: ClinVar variation 4782858 (VCV004782858.1).
Genomic context (GRCh38, chr7:103,515,369, plus strand): 5'-GTCAGCAGAGCCTGAGATGAGGACATTGTCAATGGCCCAGTCGTTCTGATCCAGGCCGTC[A>C]TGTCTTGGCTGCCACCAGCGGAAGCGAGTGGCAATCTCTTTAGCATCAGGAGGGAGAAGG-3'
Protein context (NP_005036.2, residues 2635-2655): ATRFRWWQPR[His2645Gln]DGLDQNDWAI

ClinVar aggregate classification (germline): Uncertain significance (1 of 4 stars; one submission).

Conditions:
Norman-Roberts syndrome (LIS2). Also called: Lissencephaly 2 (Norman-Roberts type). Identifiers: Orphanet 89844, MedGen C0796089, MONDO:0009760, OMIM 257320.
Familial temporal lobe epilepsy 7. Identifiers: Orphanet 101046, MedGen C4225327, MONDO:0014639, OMIM 616436.

gnomAD v4.1: 1 of 1,614,184 alleles (0.000062%); highest among the groups gnomAD compares: Middle Eastern, 0.016%; no homozygotes.

Submission:

Labcorp Genetics (formerly Invitae), Labcorp
Classification: Uncertain significance for Familial temporal lobe epilepsy 7; Norman-Roberts syndrome. Last evaluated: 2026-01-26. Review status: criteria provided, single submitter. Criteria: Invitae Variant Classification Sherloc (09022015). Collection method: clinical testing. Allele origin: germline.
Comment: This sequence change replaces histidine, which is basic and polar, with glutamine, which is neutral and polar, at codon 2645 of the RELN protein (p.His2645Gln). This variant is not present in population databases (gnomAD no frequency). This variant has not been reported in the literature in individuals affected with RELN-related conditions. Invitae Evidence Modeling of protein sequence and biophysical properties (such as structural, functional, and spatial information, amino acid conservation, physicochemical variation, residue mobility, and thermodynamic stability) indicates that this missense variant is not expected to disrupt RELN protein function with a negative predictive value of 80%. In summary, the available evidence is currently insufficient to determine the role of this variant in disease. Therefore, it has been classified as a Variant of Uncertain Significance.